The following is an entry in ClinVar:

NM_007294.4(BRCA1):c.5448A>C (p.Thr1816=)

Gene: BRCA1 (BRCA1 DNA repair associated; minus strand). Cytogenetic location: 17q21.31.
Variant type: single nucleotide variant.
Coding change: c.5448A>C on transcript NM_007294.4 (MANE Select); coding-DNA position 5448, A replaced by C.
Protein change: p.Thr1816=; no amino-acid change (threonine 1816 retained).
Molecular consequence: synonymous variant.
Genome position (GRCh38, 1-based): chr17:43,047,662, T>G on the plus strand (A>C on the coding strand, the complement: BRCA1 is on the minus strand). VCF-style: chr17-43047662-T-G. GRCh37 (hg19) VCF-style: chr17-41199679-T-G.
Other names: c.2133A>C, p.Thr711= (NM_001408399.1, NM_001408400.1, NM_001408401.1 and 7 more transcripts); c.2130A>C, p.Thr710= (NM_001408406.1, NM_001408407.1, NM_001408408.1); c.2127A>C, p.Thr709= (NM_001408409.1); c.2064A>C, p.Thr688= (NM_001408410.1); c.2061A>C, p.Thr687= (NM_001408411.1); c.2058A>C, p.Thr686= (NM_001408412.1, NM_001408413.1, NM_001408414.1 and 2 more transcripts); c.2022A>C, p.Thr674= (NM_001408418.1, NM_001408419.1, NM_001408420.1); c.2019A>C, p.Thr673= (NM_001408421.1, NM_001408422.1, NM_001408423.1 and 1 more transcripts); and 83 more.
Identifiers: ClinVar variation 867394 (VCV000867394.3), dbSNP rs397509285, ClinGen allele CA500143133.
Genomic context (GRCh38, chr17:43,047,662, plus strand): 5'-AAAAGGACCCCATATAGCACAGGTACATGCAGGCACCTTACCATGGAAGCCATTGTCCTC[T>G]GTCCAGGCATCTGGCTGCACAACCACAATTGGGTGGACACCCTGGATCCCCAGGAAGGAA-3'
Protein context (NP_009225.1, residues 1806-1826): PIVVVQPDAW[Thr1816=]EDNGFHAIGQ

Conditions:
Breast-ovarian cancer, familial, susceptibility to, 1 (BROVCA1). Also called: BRCA1 Hereditary Breast and Ovarian Cancer; OVARIAN CANCER, SUSCEPTIBILITY TO. Identifiers: Orphanet 145, MedGen C2676676, MONDO:0011450, OMIM 604370. Disease mechanism: loss of function.

Submission:

Brotman Baty Institute, University of Washington
No classification provided (evidence only). Condition: Breast-ovarian cancer, familial 1. Review status: no classification provided. Collection method: in vitro. Allele origin: not applicable. Functional consequence: functionally_normal.
ClinVar note: "not provided" was previously submitted as the classification for the variant. However, the classification appeared to be based only on an observation of functional data so it was converted to no classification on 2025-07-30.